The following is an entry in ClinVar:

ClinVar aggregate classification (germline): Uncertain significance (1 of 4 stars; one submission).

Submission:

GeneDx
Classification: Uncertain significance. Last evaluated: 2024-10-23. Review status: criteria provided, single submitter. Criteria: GeneDx Variant Classification Process June 2021. Collection method: clinical testing. Allele origin: germline. Affected: yes.
Comment: Not observed at significant frequency in large population cohorts (gnomAD); In silico analysis supports that this missense variant has a deleterious effect on protein structure/function; Has not been previously published as pathogenic or benign to our knowledge

NM_001003694.2(BRPF1):c.1869G>C (p.Gln623His)

Gene: BRPF1 (bromodomain and PHD finger containing 1; plus strand). Cytogenetic location: 3p25.3.
Variant type: single nucleotide variant.
Coding change: c.1869G>C on transcript NM_001003694.2 (MANE Select); coding-DNA position 1869, G replaced by C.
Protein change: p.Gln623His; replaces glutamine 623 with histidine.
Molecular consequence: missense variant. On other transcripts: non-coding transcript variant (1).
Genome position (GRCh38, 1-based): chr3:9,742,039, G>C. VCF-style: chr3-9742039-G-C. GRCh37 (hg19) VCF-style: chr3-9783723-G-C.
Other names: c.1869G>C, p.Gln623His (NM_001319049.2, NM_001319050.2, NM_001410704.1 and 1 more transcripts); short protein forms Q623H.
Identifiers: ClinVar variation 3893552 (VCV003893552.1).